The following is an entry in ClinVar:

ClinVar aggregate classification (germline): Uncertain significance (1 of 4 stars; one submission).

Conditions:
Inborn genetic diseases. Identifiers: MedGen C0950123, MeSH D030342.

gnomAD v4.1: 1 of 1,611,992 alleles (0.000062%); no homozygotes.

Submission:

Ambry Genetics
Classification: Uncertain significance for Inborn genetic diseases. Last evaluated: 2025-11-09. Review status: criteria provided, single submitter. Criteria: Ambry Variant Classification Scheme 2023. Collection method: clinical testing. Allele origin: germline.
Comment: The p.R278C variant (also known as c.832C>T), located in coding exon 6 of the KDM1A gene, results from a C to T substitution at nucleotide position 832. The arginine at codon 278 is replaced by cysteine, an amino acid with highly dissimilar properties. This amino acid position is conserved. In addition, this alteration is predicted to be deleterious by in silico analysis. Based on the available evidence, the clinical significance of this variant remains unclear.

NM_001009999.3(KDM1A):c.832C>T (p.Arg278Cys)

Gene: KDM1A (lysine demethylase 1A; plus strand). Cytogenetic location: 1p36.12.
Variant type: single nucleotide variant.
Coding change: c.832C>T on transcript NM_001009999.3 (MANE Select); coding-DNA position 832, C replaced by T.
Protein change: p.Arg278Cys; replaces arginine 278 with cysteine.
Molecular consequence: missense variant.
Genome position (GRCh38, 1-based): chr1:23,055,110, C>T. VCF-style: chr1-23055110-C-T. GRCh37 (hg19) VCF-style: chr1-23381603-C-T.
Other names: c.832C>T, p.Arg278Cys (NM_001410762.1); c.772C>T, p.Arg258Cys (NM_001410763.1, NM_015013.4, NM_001363654.2); short protein forms R258C, R278C.
Identifiers: ClinVar variation 4622700 (VCV004622700.1).
Genomic context (GRCh38, chr1:23,055,110, plus strand): 5'-TAATCCACTTATTCTGTAGGTGATACTGTGCTTGTCCACCGAGTTCACAGTTATTTAGAG[C>T]GTCATGGTCTTATCAACTTCGGCATCTATAAGAGGATAAAACCCCTACCAAGTAAGGACC-3'
Protein context (NP_001009999.1, residues 268-288): LVHRVHSYLE[Arg278Cys]HGLINFGIYK